The following is an entry in ClinVar:

NM_000375.3(UROS):c.556C>T (p.Gln186Ter)

Gene: UROS (uroporphyrinogen III synthase; minus strand). Cytogenetic location: 10q26.2.
Variant type: single nucleotide variant.
Coding change: c.556C>T on transcript NM_000375.3 (MANE Select); coding-DNA position 556, C replaced by T.
Protein change: p.Gln186Ter; replaces glutamine 186 with a stop codon.
Molecular consequence: nonsense. On other transcripts: non-coding transcript variant (4).
Genome position (GRCh38, 1-based): chr10:125,796,108, G>A on the plus strand (C>T on the coding strand, the complement: UROS is on the minus strand). VCF-style: chr10-125796108-G-A. GRCh37 (hg19) VCF-style: chr10-127484677-G-A.
Other names: c.556C>T, p.Gln186Ter (NM_001324036.2); c.475C>T, p.Gln159Ter (NM_001324037.2, NM_001324038.2); short protein forms Q186*, Q159*.
Identifiers: ClinVar variation 3696149 (VCV003696149.2).
Genomic context (GRCh38, chr10:125,796,108, plus strand): 5'-CTGCTTCCCCACCTGGGCACCCACCCTGCCAGAACCGCCCCCAAACGCCACGTACCTGCT[G>A]GGAATAGTAGCTGTTCAGGTTCCCTTGGATTCCTGGGTGTGCAACTGTCTGATACACAGT-3'

ClinVar aggregate classification (germline): Pathogenic (1 of 4 stars; one submission).

Submission:

Labcorp Genetics (formerly Invitae), Labcorp
Classification: Pathogenic. Last evaluated: 2024-05-17. Review status: criteria provided, single submitter. Criteria: Invitae Variant Classification Sherloc (09022015). Collection method: clinical testing. Allele origin: germline.
Comment: This sequence change creates a premature translational stop signal (p.Gln186*) in the UROS gene. It is expected to result in an absent or disrupted protein product. Loss-of-function variants in UROS are known to be pathogenic (PMID: 1733834, 7860775, 12060141). This variant is not present in population databases (gnomAD no frequency). This variant has not been reported in the literature in individuals affected with UROS-related conditions. For these reasons, this variant has been classified as Pathogenic.

Literature cited by the submitters: PubMed 1733834; PubMed 7860775; PubMed 12060141.